The following is an entry in ClinVar:

NM_001457.4(FLNB):c.4306C>T (p.Arg1436Ter)

Gene: FLNB (filamin B; plus strand). Cytogenetic location: 3p14.3.
Variant type: single nucleotide variant.
Coding change: c.4306C>T on transcript NM_001457.4 (MANE Select); coding-DNA position 4306, C replaced by T.
Protein change: p.Arg1436Ter; replaces arginine 1436 with a stop codon.
Molecular consequence: nonsense.
Genome position (GRCh38, 1-based): chr3:58,130,824, C>T. VCF-style: chr3-58130824-C-T. GRCh37 (hg19) VCF-style: chr3-58116551-C-T.
Other names: c.4306C>T, p.Arg1436Ter (NM_001164317.2, NM_001164318.2, NM_001164319.2); short protein forms R1436*.
Identifiers: ClinVar variation 4770128 (VCV004770128.1).

ClinVar aggregate classification (germline): Pathogenic (1 of 4 stars; one submission).

gnomAD v4.1: 11 of 1,613,496 alleles (0.00068%); highest among the groups gnomAD compares: South Asian, 0.0044%; no homozygotes.

Submission:

Labcorp Genetics (formerly Invitae), Labcorp
Classification: Pathogenic. Last evaluated: 2025-08-15. Review status: criteria provided, single submitter. Criteria: Invitae Variant Classification Sherloc (09022015). Collection method: clinical testing. Allele origin: germline.
Comment: This sequence change creates a premature translational stop signal (p.Arg1436*) in the FLNB gene. It is expected to result in an absent or disrupted protein product. Loss-of-function variants in FLNB are known to be pathogenic (PMID: 14991055). This variant is present in population databases (rs764011350, gnomAD 0.007%). This variant has not been reported in the literature in individuals affected with FLNB-related conditions. For these reasons, this variant has been classified as Pathogenic.

Literature cited by the submitters: PubMed 14991055.